The following is an entry in ClinVar:

NM_000038.6(APC):c.4721_4722insC (p.Leu1575fs)

Gene: APC (APC regulator of Wnt signaling pathway; plus strand). Cytogenetic location: 5q22.2.
Variant type: Insertion.
Coding change: c.4721_4722insC on transcript NM_000038.6 (MANE Select); coding-DNA positions 4721 to 4722, C inserted.
Protein change: p.Leu1575fs; shifts the reading frame from leucine 1575.
Molecular consequence: frameshift variant. On other transcripts: non-coding transcript variant (2).
Genome position: GRCh38 VCF-style: chr5-112840315-T-TC. GRCh37 (hg19) VCF-style: chr5-112176012-T-TC.
Other names: c.4721_4722insC, p.Leu1575fs (NM_001127510.3, NM_001354895.2, NM_001407450.1); c.4667_4668insC, p.Leu1557fs (NM_001127511.3); c.4775_4776insC, p.Leu1593fs (NM_001354896.2, NM_001407447.1, NM_001407448.1 and 1 more transcripts); c.4751_4752insC, p.Leu1585fs (NM_001354897.2); c.4646_4647insC, p.Leu1550fs (NM_001354898.2); c.4637_4638insC, p.Leu1547fs (NM_001354899.2); c.4598_4599insC, p.Leu1534fs (NM_001354900.2); c.4544_4545insC, p.Leu1516fs (NM_001354901.2, NM_001407453.1); and 11 more; short protein forms L1191fs, L1292fs, L1415fs, L1446fs, L1449fs, L1474fs, L1484fs, L1492fs.
Identifiers: ClinVar variation 2584065 (VCV002584065.2), dbSNP rs2533595380, ClinGen allele CA2582341351.

ClinVar aggregate classification (germline): Pathogenic (1 of 4 stars; one submission).

Conditions:
Familial adenomatous polyposis 1 (FAP1). Also called: FAMILIAL ADENOMATOUS POLYPOSIS 1, ATTENUATED; POLYPOSIS, ADENOMATOUS INTESTINAL. Identifiers: MedGen C2713442, MONDO:0021056, OMIM 175100. Disease mechanism: loss of function.

Submission:

Myriad Genetics, Inc.
Classification: Pathogenic for Familial adenomatous polyposis 1. Last evaluated: 2023-05-11. Review status: criteria provided, single submitter. Criteria: Myriad Autosomal Dominant, Autosomal Recessive and X-Linked Classification Criteria (2023). Collection method: clinical testing. Allele origin: unknown.
Comment: This variant is considered pathogenic. This variant creates a frameshift predicted to result in premature protein truncation.